The following is an entry in ClinVar:

ClinVar aggregate classification (germline): Likely pathogenic (1 of 4 stars; one submission).

Conditions:
Autosomal dominant non-syndromic intellectual disability. Identifiers: Orphanet 178469, MedGen C5680502, MONDO:0015802.

Submission:

Department of Human Genetics, University Hospital Bern, Inselspital
Classification: Likely pathogenic for Autosomal dominant non-syndromic intellectual disability. Last evaluated: 2026-05-03. Review status: criteria provided, single submitter. Criteria: ACMG Guidelines, 2015. Collection method: research. Allele origin: unknown. Affected: yes.
Comment: The variant leads to an early stop codon likely resulting in nonsense-mediated mRNA decay. The variant is absent from gnomAD v4.1.0. In summary, criteria PVS1 and PM2_Supporting were used.

Literature cited by the submitters: PubMed 42509346.

NM_001256627.2(BRSK2):c.1398del (p.Ser467fs)

Gene: BRSK2 (BR serine/threonine kinase 2; plus strand). Cytogenetic location: 11p15.5.
Variant type: Deletion.
Coding change: c.1398del on transcript NM_001256627.2 (MANE Select); coding-DNA position 1398, one base deleted (C; older notation c.1398delC).
Protein change: p.Ser467fs; shifts the reading frame from serine 467.
Molecular consequence: frameshift variant. On other transcripts: non-coding transcript variant (1).
Genome position (GRCh38, 1-based): chr11:1,450,697, C deleted; the last of 2 consecutive C bases (chr11:1,450,696-1,450,697); deleting either gives the same sequence. VCF-style (leftmost placement, unchanged base first): chr11-1450695-TC-T. GRCh37 (hg19) VCF-style: chr11-1471925-TC-T.
Other names: c.1398del, p.Ser467fs (NM_001256629.2, NM_003957.4); c.1536del, p.Ser513fs (NM_001256630.1, NM_001440667.1); c.1218del, p.Ser407fs (NM_001282218.2, NM_001440669.1, NM_001440673.1 and 3 more transcripts); c.1830del, p.Ser611fs (NM_001440665.1); c.1764del, p.Ser589fs (NM_001440666.1); c.1464del, p.Ser489fs (NM_001440668.1, NM_001440670.1); c.1284del, p.Ser429fs (NM_001440671.1, NM_001440672.1); short protein forms S407fs, S429fs, S467fs, S489fs, S513fs, S589fs, S611fs.
Identifiers: ClinVar variation 4849540 (VCV004849540.1).